The following is an entry in ClinVar:

GRCh37/hg19 Xp21.1(chrX:31697440-32053731)x0

Gene: DMD (dystrophin; minus strand). Cytogenetic location: Xp21.1.
Variant type: copy number loss.
Change: copy number 0 of chrX:31,697,440-32,053,731 (356.3 kb, GRCh37 coordinates, 1-based), cytogenetic band Xp21.1.
Identifiers: ClinVar variation 3338461 (VCV003338461.1).

ClinVar aggregate classification (germline): Likely pathogenic (0 of 4 stars; one submission).

Conditions:
Becker muscular dystrophy (BMD). Also called: MUSCULAR DYSTROPHY, PSEUDOHYPERTROPHIC PROGRESSIVE, BECKER TYPE; Becker Muscular Dystrophy (BMD). Identifiers: Orphanet 98895, MedGen C0917713, MONDO:0010311, OMIM 300376.

Submission:

Solve-RD Consortium
Classification: Likely pathogenic for Becker muscular dystrophy. Last evaluated: 2024-06-01. Review status: no assertion criteria provided. Collection method: provider interpretation. Allele origin: germline. Affected: yes.
Comment: This CNV was confirmed by the submitting clinician to impact a gene that corresponds with the phenotype of the affected individual, and thus deemed to be causative for their condition.

Literature cited by the submitters: PubMed 39825153.